The following is an entry in ClinVar:

NM_001365276.2(TNXB):c.7456C>T (p.Arg2486Trp)

Gene: TNXB (tenascin XB; minus strand). Cytogenetic location: 6p21.33.
Variant type: single nucleotide variant.
Coding change: c.7456C>T on transcript NM_001365276.2 (MANE Select); coding-DNA position 7456, C replaced by T.
Protein change: p.Arg2486Trp; replaces arginine 2486 with tryptophan.
Molecular consequence: missense variant.
Genome position (GRCh38, 1-based): chr6:32,061,433, G>A on the plus strand (C>T on the coding strand, the complement: TNXB is on the minus strand). VCF-style: chr6-32061433-G-A. GRCh37 (hg19) VCF-style: chr6-32029210-G-A.
Other names: c.7456C>T, p.Arg2486Trp (NM_019105.8); short protein forms R2486W.
Identifiers: ClinVar variation 1174306 (VCV001174306.9), dbSNP rs752650618, ClinGen allele CA3734153.

ClinVar aggregate classification (germline): Uncertain significance. Review status: criteria provided, multiple submitters, no conflicts (2 of 4 stars). 4 submissions from 4 submitters: Uncertain significance (4). Last evaluated 2026-05-15.

Conditions:
Cardiovascular phenotype. Identifiers: MedGen CN230736.
TNXB-related disorder. Also called: TNXB-related condition.

Submissions (4):

PreventionGenetics, part of Exact Sciences
Classification: Uncertain significance for TNXB-related condition. Last evaluated: 2026-05-15. Review status: criteria provided, single submitter. Criteria: ACMG Guidelines, 2015. Collection method: clinical testing. Allele origin: germline.
Comment: The TNXB c.7456C>T variant is predicted to result in the amino acid substitution p.Arg2486Trp. To our knowledge, this variant has not been reported in the literature. This variant is reported in 0.031% of alleles in individuals of East Asian descent in gnomAD. At this time, the clinical significance of this variant is uncertain due to the absence of conclusive functional and genetic evidence.

Women's Health and Genetics/Laboratory Corporation of America, LabCorp
Classification: Uncertain significance. Last evaluated: 2026-02-25. Review status: criteria provided, single submitter. Criteria: LabCorp Variant Classification Summary - May 2015. Collection method: clinical testing. Allele origin: germline.
Comment: Variant summary: TNXB c.7456C>T (p.Arg2486Trp) results in a non-conservative amino acid change in the encoded protein sequence. Algorithms developed to predict the effect of missense changes on protein structure and function are either unavailable or do not agree on the potential impact of this missense change. The variant allele was found at a frequency of 2.8e-05 in 245758 control chromosomes. The available data on variant occurrences in the general population are insufficient to allow any conclusion about variant significance. To our knowledge, no occurrence of c.7456C>T in individuals affected with TNXB-related conditions and no experimental evidence demonstrating its impact on protein function have been reported. ClinVar contains an entry for this variant (Variation ID: 1174306). Based on the evidence outlined above, the variant was classified as uncertain significance.

Ambry Genetics
Classification: Uncertain significance for Cardiovascular phenotype. Last evaluated: 2025-08-01. Review status: criteria provided, single submitter. Criteria: Ambry Variant Classification Scheme 2023. Collection method: clinical testing. Allele origin: germline.

GeneDx
Classification: Uncertain significance. Last evaluated: 2022-12-15. Review status: criteria provided, single submitter. Criteria: GeneDx Variant Classification Process June 2021. Collection method: clinical testing. Allele origin: germline. Affected: yes.
Comment: Has not been previously published as pathogenic or benign to our knowledge; In silico analysis, which includes protein predictors and evolutionary conservation, supports a deleterious effect